The following is an entry in ClinVar:

NM_000311.5(PRNP):c.473C>T (p.Pro158Leu)

Gene: PRNP (prion protein (Kanno blood group); plus strand). Cytogenetic location: 20p13.
Variant type: single nucleotide variant.
Coding change: c.473C>T on transcript NM_000311.5 (MANE Select); coding-DNA position 473, C replaced by T.
Protein change: p.Pro158Leu; replaces proline 158 with leucine.
Molecular consequence: missense variant. On other transcripts: 3 prime UTR variant (1).
Genome position (GRCh38, 1-based): chr20:4,699,693, C>T. VCF-style: chr20-4699693-C-T. GRCh37 (hg19) VCF-style: chr20-4680339-C-T.
Other names: c.473C>T, p.Pro158Leu (NM_001080121.3, NM_001080122.3, NM_001080123.3 and 1 more transcripts); c.*162C>T (NM_001271561.3); short protein forms P158L.
Identifiers: ClinVar variation 1704710 (VCV001704710.2), dbSNP rs2514374005, ClinGen allele CA408152429.

ClinVar aggregate classification (germline): Uncertain significance (1 of 4 stars; one submission).

Allele frequency attached by ClinVar (database versions not stated): gnomAD exomes below 0.00001.

Submission:

GeneDx
Classification: Uncertain significance. Last evaluated: 2022-03-06. Review status: criteria provided, single submitter. Criteria: GeneDx Variant Classification Process June 2021. Collection method: clinical testing. Allele origin: germline. Affected: yes.
Comment: Not observed at significant frequency in large population cohorts (gnomAD); In silico analysis supports that this missense variant has a deleterious effect on protein structure/function; Has not been previously published as pathogenic or benign to our knowledge